The following is an entry in ClinVar:

NM_000548.5(TSC2):c.1A>G (p.Met1Val)

Gene: TSC2 (TSC complex subunit 2; plus strand). Cytogenetic location: 16p13.3.
Variant type: single nucleotide variant.
Coding change: c.1A>G on transcript NM_000548.5 (MANE Select); coding-DNA position 1, A replaced by G.
Protein change: p.Met1Val; changes the start codon (methionine 1).
Molecular consequence: missense variant, initiator codon variant. On other transcripts: intron variant (1), 5 prime UTR variant (1).
Genome position (GRCh38, 1-based): chr16:2,048,616, A>G. VCF-style: chr16-2048616-A-G. GRCh37 (hg19) VCF-style: chr16-2098617-A-G.
Other names: c.1A>G, p.Met1Val (NM_001363528.2, NM_001370404.1, NM_001370405.1 and 4 more transcripts); c.-10+551A>G (NM_001318829.2); c.-226A>G (NM_001318831.2); c.34A>G, p.Met12Val (NM_001318832.2); short protein forms M12V, M1V.
Identifiers: ClinVar variation 1368130 (VCV001368130.8), dbSNP rs1055443730, ClinGen allele CA276768556.

ClinVar aggregate classification (germline): Uncertain significance. Review status: criteria provided, multiple submitters, no conflicts (2 of 4 stars). 2 submissions from 2 submitters: Uncertain significance (2). Last evaluated 2021-11-10.

Conditions:
Tuberous sclerosis 2 (TSC2). Identifiers: Orphanet 805, MedGen C1860707, MONDO:0013199, OMIM 613254.
Hereditary cancer-predisposing syndrome. Also called: Hereditary neoplastic syndrome; Hereditary Cancer Syndrome; Neoplastic Syndromes, Hereditary; Tumor predisposition. Identifiers: Orphanet 140162, MedGen C0027672, MeSH D009386, MONDO:0015356.

Allele frequency attached by ClinVar (database versions not stated): gnomAD exomes below 0.00001; TOPMed below 0.00001.

Submissions (2):

Ambry Genetics
Classification: Uncertain significance for Hereditary cancer-predisposing syndrome. Last evaluated: 2021-11-10. Review status: criteria provided, single submitter. Criteria: Ambry Variant Classification Scheme 2023. Collection method: clinical testing. Allele origin: germline.
Comment: The p.M1? variant (also known as c.1A>G) is located in coding exon 1 of the TSC2 gene and results from a A to G substitution at nucleotide position 1. This alters the methionine residue at the initiation codon (ATG). Variations that modify the initiation codon (ATG) are expected to result in either loss of translation initiation, N-terminal truncation, or cause a shift in the mRNA reading frame; however, there is an in-frame methionine 50 amino acids from the initiation site, which may result in N-terminal truncation of unknown functional significance. One functional study looked at p.M1 loss and found that it had an intermediate effect on T389/S6K phosphorylation ratios (Hoogeveen-Westerveld M. Hum Mutat. 2013 Jan;34(1):167-75). Since supporting evidence is limited at this time, the clinical significance of this alteration remains unclear.

Labcorp Genetics (formerly Invitae), Labcorp
Classification: Uncertain significance for Tuberous sclerosis 2. Last evaluated: 2021-07-17. Review status: criteria provided, single submitter. Criteria: Invitae Variant Classification Sherloc (09022015). Collection method: clinical testing. Allele origin: germline.
Comment: In summary, the available evidence is currently insufficient to determine the role of this variant in disease. Therefore, it has been classified as a Variant of Uncertain Significance. Experimental studies have shown that disruption of the initiator codon affects TSC2 protein function (PMID: 22903760). Algorithms developed to predict the effect of variants on protein structure and function are not available or were not evaluated for this variant. Disruption of the initiator codon has been observed in individual(s) with clinical features of tuberous sclerosis complex (PMID: 22903760). This variant is not present in population databases (ExAC no frequency). This sequence change affects the initiator methionine of the TSC2 mRNA. The next in-frame methionine is located at codon 50.

Literature cited by the submitters: PubMed 22903760 (cited by Ambry Genetics and Labcorp Genetics (formerly Invitae), Labcorp).